The following is an entry in ClinVar:

ClinVar aggregate classification (germline): Uncertain significance (1 of 4 stars; one submission).

Conditions:
Primary ciliary dyskinesia. Also called: Ciliary dyskinesia. Identifiers: Orphanet 244, MedGen C0008780, MONDO:0016575, HP:0012265.

gnomAD v4.1: 12 of 1,611,922 alleles (0.00074%); highest among the groups gnomAD compares: Non-Finnish European, 0.001%; no homozygotes.

Submission:

Ambry Genetics
Classification: Uncertain significance for Primary ciliary dyskinesia. Last evaluated: 2026-06-09. Review status: criteria provided, single submitter. Criteria: Ambry Variant Classification Scheme 2023. Collection method: clinical testing. Allele origin: germline.
Comment: The p.L3739V variant (also known as c.11215C>G), located in coding exon 69 of the DNAH11 gene, results from a C to G substitution at nucleotide position 11215. The leucine at codon 3739 is replaced by valine, an amino acid with highly similar properties. This amino acid position is conserved. In addition, this alteration is predicted to be tolerated by in silico analysis. Based on the available evidence, the clinical significance of this variant remains unclear.

NM_001277115.2(DNAH11):c.11215C>G (p.Leu3739Val)

Gene: DNAH11 (dynein axonemal heavy chain 11; plus strand). Cytogenetic location: 7p15.3.
Variant type: single nucleotide variant.
Coding change: c.11215C>G on transcript NM_001277115.2 (MANE Select); coding-DNA position 11215, C replaced by G.
Protein change: p.Leu3739Val; replaces leucine 3739 with valine.
Molecular consequence: missense variant.
Genome position (GRCh38, 1-based): chr7:21,861,865, C>G. VCF-style: chr7-21861865-C-G. GRCh37 (hg19) VCF-style: chr7-21901483-C-G.
Other names: short protein forms L3739V.
Identifiers: ClinVar variation 4869927 (VCV004869927.1).